The following is an entry in ClinVar:

NM_001365536.1(SCN9A):c.1754G>A (p.Arg585Lys)

Genes: SCN9A (sodium voltage-gated channel alpha subunit 9; minus strand), SCN1A-AS1 (SCN1A and SCN9A antisense RNA 1; plus strand). Cytogenetic location: 2q24.3.
Variant type: single nucleotide variant.
Coding change: c.1754G>A on transcript NM_001365536.1 (MANE Select); coding-DNA position 1754, G replaced by A.
Protein change: p.Arg585Lys; replaces arginine 585 with lysine.
Molecular consequence: missense variant.
Genome position (GRCh38, 1-based): chr2:166,284,673, C>T on the plus strand (G>A on the coding strand, the complement: SCN9A is on the minus strand). VCF-style: chr2-166284673-C-T. GRCh37 (hg19) VCF-style: chr2-167141183-C-T.
Other names: c.1754G>A, p.Arg585Lys (NM_002977.4); short protein forms R585K.
Identifiers: ClinVar variation 574751 (VCV000574751.12), dbSNP rs747765478, ClinGen allele CA1944438.

ClinVar aggregate classification (germline): Uncertain significance. Review status: criteria provided, multiple submitters, no conflicts (2 of 4 stars). 2 submissions from 2 submitters: Uncertain significance (2). Last evaluated 2025-03-05.

Conditions:
Generalized epilepsy with febrile seizures plus, type 7 (GEFSP7). Also called: GEFS+, TYPE 7. Identifiers: Orphanet 36387, MedGen C2751778, MONDO:0013470, OMIM 613863.
Neuropathy, hereditary sensory and autonomic, type 2A (HSAN2A). Also called: MORVAN DISEASE; NEUROPATHY, CONGENITAL SENSORY; NEUROPATHY, HEREDITARY SENSORY RADICULAR, AUTOSOMAL RECESSIVE; NEUROPATHY, HEREDITARY SENSORY, TYPE IIA; NEUROPATHY, PROGRESSIVE SENSORY, OF CHILDREN; WNK1-Related HSAN2 (HSAN2A). Identifiers: Orphanet 970, MedGen C2752089, MONDO:0024309, OMIM 201300.

Allele frequency attached by ClinVar (database versions not stated): ExAC 0.00001; gnomAD exomes 0.00001; gnomAD 0.00002; TOPMed 0.00002.

Submissions (2):

Women's Health and Genetics/Laboratory Corporation of America, LabCorp
Classification: Uncertain significance. Last evaluated: 2025-03-05. Review status: criteria provided, single submitter. Criteria: LabCorp Variant Classification Summary - May 2015. Collection method: clinical testing. Allele origin: germline.
Comment: Variant summary: SCN9A c.1754G>A (p.Arg585Lys) results in a conservative amino acid change in the encoded protein sequence. Three of five in-silico tools predict a damaging effect of the variant on protein function. The variant allele was found at a frequency of 8e-06 in 249076 control chromosomes. The available data on variant occurrences in the general population are insufficient to allow any conclusion about variant significance. To our knowledge, no occurrence of c.1754G>A in individuals affected with Channelopathy-Associated Congenital Insensitivity To Pain, Autosomal Recessive and no experimental evidence demonstrating its impact on protein function have been reported. ClinVar contains an entry for this variant (Variation ID: 574751). Based on the evidence outlined above, the variant was classified as uncertain significance.

Labcorp Genetics (formerly Invitae), Labcorp
Classification: Uncertain significance for Neuropathy, hereditary sensory and autonomic, type 2A; Generalized epilepsy with febrile seizures plus, type 7. Last evaluated: 2025-02-11. Review status: criteria provided, single submitter. Criteria: Invitae Variant Classification Sherloc (09022015). Collection method: clinical testing. Allele origin: germline.
Comment: This sequence change replaces arginine, which is basic and polar, with lysine, which is basic and polar, at codon 585 of the SCN9A protein (p.Arg585Lys). This variant is present in population databases (rs747765478, gnomAD 0.002%). This missense change has been observed in individual(s) with primary erythromelalgia (internal data). ClinVar contains an entry for this variant (Variation ID: 574751). Invitae Evidence Modeling of protein sequence and biophysical properties (such as structural, functional, and spatial information, amino acid conservation, physicochemical variation, residue mobility, and thermodynamic stability) indicates that this missense variant is not expected to disrupt SCN9A protein function with a negative predictive value of 95%. In summary, the available evidence is currently insufficient to determine the role of this variant in disease. Therefore, it has been classified as a Variant of Uncertain Significance.